The following is an entry in ClinVar:

NM_000088.4(COL1A1):c.424G>T (p.Gly142Ter)

Gene: COL1A1 (collagen type I alpha 1 chain; minus strand). Cytogenetic location: 17q21.33.
Variant type: single nucleotide variant.
Coding change: c.424G>T on transcript NM_000088.4 (MANE Select); coding-DNA position 424, G replaced by T.
Protein change: p.Gly142Ter; replaces glycine 142 with a stop codon.
Molecular consequence: nonsense.
Genome position (GRCh38, 1-based): chr17:50,199,273, C>A on the plus strand (G>T on the coding strand, the complement: COL1A1 is on the minus strand). VCF-style: chr17-50199273-C-A. GRCh37 (hg19) VCF-style: chr17-48276634-C-A.
Other names: short protein forms G142*.
Identifiers: ClinVar variation 4280708 (VCV004280708.1).

ClinVar aggregate classification (germline): Pathogenic (1 of 4 stars; one submission).

Conditions:
Osteogenesis imperfecta type I (OI1). Also called: OI, TYPE I; OSTEOGENESIS IMPERFECTA TARDA; OSTEOGENESIS IMPERFECTA WITH BLUE SCLERAE; Osteogenesis imperfecta type 1; Lobstein's Disease; Lobstein disease. Identifiers: Orphanet 216796, Orphanet 666, MedGen C0023931, MONDO:0008146, OMIM 166200. Disease mechanism: loss of function.

Submission:

Laboratory of Genetic Skeletal Anomaly, Seoul National University Children's Hospital
Classification: Pathogenic for Osteogenesis imperfecta type I. Last evaluated: 2025-03-01. Review status: criteria provided, single submitter. Criteria: ACMG Guidelines, 2015. Collection method: research. Allele origin: germline. Affected: yes.
Comment: This variant is a novel variant not previously reported in the literature or population databases. It was classified based on available in silico predictions and absence from gnomAD.